The following is an entry in ClinVar:

ClinVar aggregate classification (germline): Uncertain significance. Review status: criteria provided, multiple submitters, no conflicts (2 of 4 stars). 2 submissions from 2 submitters: Uncertain significance (2). Last evaluated 2021-05-31.

Conditions:
Congenital cataract-microcephaly-nevus flammeus simplex-severe intellectual disability syndrome. Also called: Basel-Vanagaite-Smirin-Yosef syndrome. Identifiers: Orphanet 464738, MedGen C4225323, MONDO:0014643, OMIM 616449.
Charcot-Marie-Tooth disease type 2. Also called: Charcot-Marie-Tooth type 2. Identifiers: Orphanet 64746, MedGen C0270914, MONDO:0018993.

gnomAD v4.1: 9 of 1,611,696 alleles (0.00056%); highest among the groups gnomAD compares: Non-Finnish European, 0.00068%; no homozygotes.

Submissions (2):

Labcorp Genetics (formerly Invitae), Labcorp
Classification: Uncertain significance for Charcot-Marie-Tooth disease type 2. Last evaluated: 2021-05-31. Review status: criteria provided, single submitter. Criteria: Invitae Variant Classification Sherloc (09022015). Collection method: clinical testing. Allele origin: germline.
Comment: This sequence change replaces glutamine with lysine at codon 619 of the MED25 protein (p.Gln619Lys). The glutamine residue is highly conserved and there is a small physicochemical difference between glutamine and lysine. Algorithms developed to predict the effect of missense changes on protein structure and function are either unavailable or do not agree on the potential impact of this missense change (SIFT: "Deleterious"; PolyPhen-2: "Benign"; Align-GVGD: "Class C0"). This variant has not been reported in the literature in individuals with MED25-related conditions. ClinVar contains an entry for this variant (Variation ID: 994068). This variant is not present in population databases (ExAC no frequency). In summary, the available evidence is currently insufficient to determine the role of this variant in disease. Therefore, it has been classified as a Variant of Uncertain Significance.

ARUP Laboratories, Molecular Genetics and Genomics, ARUP Laboratories
Classification: Uncertain significance for Congenital cataract-microcephaly-nevus flammeus simplex-severe intellectual disability syndrome. Last evaluated: 2019-09-16. Review status: criteria provided, single submitter. Criteria: ARUP Molecular Germline Variant Investigation Process. Collection method: clinical testing. Allele origin: germline.
Comment: The MED25 c.1855C>A; p.Gln619Lys variant (rs769034498), to our knowledge, is not reported in the medical literature or gene-specific databases. This variant is also absent from general population databases (Exome Variant Server, Genome Aggregation Database), indicating it is not a common polymorphism. The glutamine at codon 619 is moderately conserved, and computational analyses (SIFT, PolyPhen-2) predict that this variant is deleterious. However, due to limited information, the clinical significance of the p.Gln619Lys variant is uncertain at this time.

NM_030973.4(MED25):c.1855C>A (p.Gln619Lys)

Gene: MED25 (mediator complex subunit 25; plus strand). Cytogenetic location: 19q13.33.
Variant type: single nucleotide variant.
Coding change: c.1855C>A on transcript NM_030973.4 (MANE Select); coding-DNA position 1855, C replaced by A.
Protein change: p.Gln619Lys; replaces glutamine 619 with lysine.
Molecular consequence: missense variant.
Genome position (GRCh38, 1-based): chr19:49,835,835, C>A. VCF-style: chr19-49835835-C-A. GRCh37 (hg19) VCF-style: chr19-50339092-C-A.
Other names: c.1855C>A, p.Gln619Lys (NM_001378355.1); short protein forms Q619K.
Identifiers: ClinVar variation 994068 (VCV000994068.15), dbSNP rs769034498, ClinGen allele CA309520688.
Genomic context (GRCh38, chr19:49,835,835, plus strand): 5'-TCTGGGGCCACGGGGCAGCCCCAGCCCCAAGGTACTGCCCAGCCCCCGCCAGGTGCCCCT[C>A]AAGGCCCTCCTGGAGCAGCTTCTGGCCCACCCCCTCCTGGACCCATCCTTCGGCCCCAGA-3'
Protein context (NP_112235.2, residues 609-629): GTAQPPPGAP[Gln619Lys]GPPGAASGPP